The following is an entry in ClinVar:

ClinVar aggregate classification (germline): Conflicting classifications of pathogenicity. Review status: criteria provided, conflicting classifications (1 of 4 stars). 6 submissions from 6 submitters: Likely pathogenic (3); Uncertain significance (2). 1 of the submissions does not count toward it. Last evaluated 2025-12-09.

Conditions:
Ceroid lipofuscinosis, neuronal, 6A. Also called: Neuronal ceroid lipofuscinosis, late infantile, variant; Neuronal ceroid lipofuscinosis, Gypsy/Indian early juvenile variant; CLN6-Related Neuronal Ceroid-Lipofuscinosis; Neuronal ceroid lipofuscinosis 6. Identifiers: Orphanet 168491, Orphanet 228363, MedGen C5551375, MONDO:0011144, OMIM 601780.
Ceroid lipofuscinosis, neuronal, 6B (Kufs type). Also called: Neuronal ceroid lipofuscinosis 4A. Identifiers: Orphanet 700477, MedGen C5561927, MONDO:0008768, OMIM 204300.
Neuronal ceroid lipofuscinosis. Also called: Neuronal Ceroid Lipofuscinoses. Identifiers: Orphanet 216, Orphanet 79263, MedGen C0027877, MONDO:0016295. Disease mechanism: loss of function.

Allele frequency attached by ClinVar (database versions not stated): gnomAD 0.00001.
gnomAD v4.1: 1 of 1,613,908 alleles (0.000062%); highest among the groups gnomAD compares: Admixed American, 0.0017%; no homozygotes.

Submissions (6):

3billion
Classification: Likely pathogenic for Ceroid lipofuscinosis, neuronal, 6A. Last evaluated: 2025-12-09. Review status: criteria provided, single submitter. Criteria: ACMG Guidelines, 2015. Collection method: clinical testing. Allele origin: germline. Affected: yes.
Comment: The variant is observed at an extremely low frequency in the gnomAD v4.1.0 dataset (total allele frequency: <0.001%). Predicted Consequence/Location: Missense variant. The majority of the known disease-causing variants of this gene are variants expected to result in premature termination of the protein. Functional studies provide supporting evidence of the variant having a damaging effect on the gene or gene product (PMID: 18811591). In silico tool predictions suggest damaging effect of the variant on gene or gene product [REVEL: 0.94 (>=0.6, sensitivity 0.68 and specificity 0.92); 3Cnet: 0.72 (> 0.75, sensitivity 0.96 and precision 0.92)]. The same nucleotide change resulting in the same amino acid change has been previously reported to be associated with CLN6-related disorder (ClinVar ID: VCV000004079 /PMID: 11727201).The variant has been reported to be in trans with a pathogenic variant as either compound heterozygous or homozygous in at least one similarly affected unrelated individual (PMID: 11727201). Therefore, this variant is classified as Likely pathogenic according to the recommendation of ACMG/AMP guideline.

Labcorp Genetics (formerly Invitae), Labcorp
Classification: Uncertain significance for Neuronal ceroid lipofuscinosis. Last evaluated: 2025-04-02. Review status: criteria provided, single submitter. Criteria: Invitae Variant Classification Sherloc (09022015). Collection method: clinical testing. Allele origin: germline.
Comment: This sequence change replaces glycine, which is neutral and non-polar, with aspartic acid, which is acidic and polar, at codon 123 of the CLN6 protein (p.Gly123Asp). This variant is not present in population databases (gnomAD no frequency). This missense change has been observed in individuals with neuronal ceroid lipofuscinosis (PMID: 11727201; internal data). ClinVar contains an entry for this variant (Variation ID: 4079). Invitae Evidence Modeling of protein sequence and biophysical properties (such as structural, functional, and spatial information, amino acid conservation, physicochemical variation, residue mobility, and thermodynamic stability) has been performed for this missense variant. However, the output from this modeling did not meet the statistical confidence thresholds required to predict the impact of this variant on CLN6 protein function. Experimental studies have shown that this missense change affects CLN6 function (PMID: 18811591, 20020536). In summary, the available evidence is currently insufficient to determine the role of this variant in disease. Therefore, it has been classified as a Variant of Uncertain Significance.

Fulgent Genetics
Classification: Likely pathogenic for Ceroid lipofuscinosis, neuronal, 6B (Kufs type); Ceroid lipofuscinosis, neuronal, 6A. Last evaluated: 2024-01-08. Review status: criteria provided, single submitter. Criteria: ACMG Guidelines, 2015. Collection method: clinical testing. Allele origin: germline.

Illumina Laboratory Services, Illumina
Classification: Uncertain significance. Last evaluated: 2022-11-11. Review status: criteria provided, single submitter. Criteria: ICSL CNVClassificationCriteria Aug2020. Collection method: clinical testing. Allele origin: unknown. Affected: yes.
Comment: The CLN6 c.368G>A (p.Gly123Asp) missense variant results in the substitution of glycine at amino acid position 123 with aspartic acid. This variant has been reported in a homozygous state in one individual with neuronal ceroid lipofuscinosis (PMID: 11727201). The c.368G>A variant is reported in the Genome Aggregation Database in one allele at a frequency of 0.000065 in the Latino/Admixed American population (version 3.1.2). Functional studies have demonstrated that the c.368G>A variant protein is localized in the transmembrane domain 3 and can form dimers; however, the protein is unstable and is rapidly degraded (PMID: 20020536). Multiple lines of computational evidence suggest the variant may have a deleterious effect on the gene or gene product. Based on the available evidence, the c.368G>A (p.Gly123Asp) variant is classified as a variant of uncertain significance for neuronal ceroid lipofuscinosis.

GeneDx
Classification: Likely pathogenic. Last evaluated: 2022-06-15. Review status: criteria provided, single submitter. Criteria: GeneDx Variant Classification Process June 2021. Collection method: clinical testing. Allele origin: germline. Affected: yes.
Comment: In silico analysis supports that this missense variant has a deleterious effect on protein structure/function; Not observed at significant frequency in large population cohorts (gnomAD); Published functional studies demonstrate a damaging effect as this variant leads to rapid degradation of polypeptides (Oresic et al., 2009; Kurze et al., 2010); This variant is associated with the following publications: (PMID: 19440452, 20020536, 15265688, 18811591, 12673792, 11727201)

OMIM
Classification: Pathogenic for CEROID LIPOFUSCINOSIS, NEURONAL, 6A. Last evaluated: 2002-02-01. Review status: no assertion criteria provided. Collection method: literature only. Allele origin: germline. Not counted in ClinVar's aggregate classification.

Literature cited by the submitters: PubMed 11727201 (cited by 4 submitters); PubMed 18811591 (cited by 3billion and Labcorp Genetics (formerly Invitae), Labcorp); PubMed 20020536 (cited by Labcorp Genetics (formerly Invitae), Labcorp and Illumina Laboratory Services, Illumina).

NM_017882.3(CLN6):c.368G>A (p.Gly123Asp)

Gene: CLN6 (CLN6 transmembrane ER protein; minus strand). Cytogenetic location: 15q23.
Variant type: single nucleotide variant.
Coding change: c.368G>A on transcript NM_017882.3 (MANE Select); coding-DNA position 368, G replaced by A.
Protein change: p.Gly123Asp; replaces glycine 123 with aspartic acid.
Molecular consequence: missense variant.
Genome position (GRCh38, 1-based): chr15:68,211,793, C>T on the plus strand (G>A on the coding strand, the complement: CLN6 is on the minus strand). VCF-style: chr15-68211793-C-T. GRCh37 (hg19) VCF-style: chr15-68504131-C-T.
Other names: short protein forms G123D.
Identifiers: ClinVar variation 4079 (VCV000004079.14), dbSNP rs104894484, ClinGen allele CA252981.